The following is an entry in ClinVar:

NM_001267550.2(TTN):c.85789T>C (p.Trp28597Arg)

Genes: TTN (titin; minus strand), TTN-AS1 (TTN antisense RNA 1; plus strand). Cytogenetic location: 2q31.2.
Variant type: single nucleotide variant.
Coding change: c.85789T>C on transcript NM_001267550.2 (MANE Select); coding-DNA position 85789, T replaced by C.
Protein change: p.Trp28597Arg; replaces tryptophan 28597 with arginine.
Molecular consequence: missense variant.
Genome position (GRCh38, 1-based): chr2:178,560,343, A>G on the plus strand (T>C on the coding strand, the complement: TTN is on the minus strand). VCF-style: chr2-178560343-A-G. GRCh37 (hg19) VCF-style: chr2-179425070-A-G.
Other names: c.80866T>C, p.Trp26956Arg (NM_001256850.1); c.58594T>C, p.Trp19532Arg (NM_003319.4); c.78085T>C, p.Trp26029Arg (NM_133378.4); c.58969T>C, p.Trp19657Arg (NM_133432.3); c.59170T>C, p.Trp19724Arg (NM_133437.4); short protein forms W19532R, W19657R, W19724R, W26029R, W26956R, W28597R.
Identifiers: ClinVar variation 811162 (VCV000811162.8), dbSNP rs1575611720, ClinGen allele CA349547925.

ClinVar aggregate classification (germline): Uncertain significance (1 of 4 stars; one submission).

Allele frequency attached by ClinVar (database versions not stated): TOPMed below 0.00001.

Submission:

ARUP Laboratories, Molecular Genetics and Genomics, ARUP Laboratories
Classification: Uncertain significance. Last evaluated: 2018-10-23. Review status: criteria provided, single submitter. Criteria: ARUP Molecular Germline Variant Investigation Process. Collection method: clinical testing. Allele origin: germline.
Comment: The TTN c.78085T>C; p.Trp26029Arg variant is rare in the general population (absent from both the Exome Variant Server and the Genome Aggregation Database) and has not been reported in the medical literature in association with dilated cardiomyopathy (DCM) or other TTN-related disease. The clinical relevance of rare missense variants in this gene, which are identified on average once per individual sequenced in affected populations (Herman 2012), is not well understood. Yet, evidence suggests that the vast majority of such missense variants do not contribute to the clinical outcome of DCM (Begay 2015). Thus, the clinical significance of the p.Trp26029Arg variant cannot be determined with certainty.